The following is an entry in ClinVar:

ClinVar aggregate classification (germline): Likely pathogenic (1 of 4 stars; one submission).

Conditions:
Intellectual developmental disorder, X-linked 1. Also called: Atkin Flaitz Patil Smith syndrome; MENTAL RETARDATION, X-LINKED 18; MENTAL RETARDATION, X-LINKED 78; Intellectual disability, X-linked 1. Identifiers: Orphanet 777, MedGen C2931498, MONDO:0010656, OMIM 309530.

Submission:

3billion
Classification: Likely pathogenic for Intellectual developmental disorder, X-linked 1. Last evaluated: 2024-12-11. Review status: criteria provided, single submitter. Criteria: ACMG Guidelines, 2015. Collection method: clinical testing. Allele origin: germline. Affected: yes.
Comment: The variant is not observed in the gnomAD v4.1.0 dataset. Predicted Consequence/Location: Stop-gained (nonsense): predicted to result in a loss or disruption of normal protein function through nonsense-mediated decay (NMD) or protein truncation. Multiple pathogenic variants are reported downstream of the variant. Therefore, this variant is classified as Likely pathogenic according to the recommendation of ACMG/AMP guideline.

NM_001111125.3(IQSEC2):c.286C>T (p.Gln96Ter)

Gene: IQSEC2 (IQ motif and Sec7 domain ArfGEF 2; minus strand). Cytogenetic location: Xp11.22.
Variant type: single nucleotide variant.
Coding change: c.286C>T on transcript NM_001111125.3 (MANE Select); coding-DNA position 286, C replaced by T.
Protein change: p.Gln96Ter; replaces glutamine 96 with a stop codon.
Molecular consequence: nonsense.
Genome position (GRCh38, 1-based): chrX:53,320,838, G>A on the plus strand (C>T on the coding strand, the complement: IQSEC2 is on the minus strand). VCF-style: chrX-53320838-G-A. GRCh37 (hg19) VCF-style: chrX-53350036-G-A.
Other names: c.286C>T, p.Gln96Ter (NM_001410736.1, NM_001441092.1); short protein forms Q96*.
Identifiers: ClinVar variation 4292875 (VCV004292875.1).